The following is an entry in ClinVar:

ClinVar aggregate classification (germline): Uncertain significance. Review status: criteria provided, multiple submitters, no conflicts (2 of 4 stars). 7 submissions from 7 submitters: Uncertain significance (6). 1 of the submissions does not count toward it. Last evaluated 2025-09-28.

Conditions:
AGL-related disorder. Also called: AGL-related condition.
Inborn genetic diseases. Identifiers: MedGen C0950123, MeSH D030342.
Glycogen storage disease type III (GSD3). Also called: Cori disease; FORBES DISEASE. Identifiers: Orphanet 366, MedGen C0017922, MONDO:0009291, OMIM 232400.

Allele frequency attached by ClinVar (database versions not stated): ExAC 0.00005; gnomAD 0.00005 and 0.00006; gnomAD exomes 0.00006; TOPMed 0.00007.
gnomAD v4.1: 60 of 1,613,334 alleles (0.0037%); highest among the groups gnomAD compares: Non-Finnish European, 0.0047%; no homozygotes.

Submissions (7):

Ambry Genetics
Classification: Uncertain significance for Inborn genetic diseases. Last evaluated: 2025-09-28. Review status: criteria provided, single submitter. Criteria: Ambry Variant Classification Scheme 2023. Collection method: clinical testing. Allele origin: germline.

Labcorp Genetics (formerly Invitae), Labcorp
Classification: Uncertain significance for Glycogen storage disease type III. Last evaluated: 2024-12-16. Review status: criteria provided, single submitter. Criteria: Invitae Variant Classification Sherloc (09022015). Collection method: clinical testing. Allele origin: germline.
Comment: This sequence change replaces valine, which is neutral and non-polar, with glycine, which is neutral and non-polar, at codon 1484 of the AGL protein (p.Val1484Gly). This variant is present in population databases (rs774708890, gnomAD 0.01%). This variant has not been reported in the literature in individuals affected with AGL-related conditions. ClinVar contains an entry for this variant (Variation ID: 653696). Invitae Evidence Modeling of protein sequence and biophysical properties (such as structural, functional, and spatial information, amino acid conservation, physicochemical variation, residue mobility, and thermodynamic stability) indicates that this missense variant is expected to disrupt AGL protein function with a positive predictive value of 80%. In summary, the available evidence is currently insufficient to determine the role of this variant in disease. Therefore, it has been classified as a Variant of Uncertain Significance.

Blueprint Genetics
Classification: Uncertain significance. Last evaluated: 2024-10-14. Review status: criteria provided, single submitter. Criteria: ACMG Guidelines, 2015. Collection method: clinical testing. Allele origin: germline.

CeGaT Center for Human Genetics Tuebingen
Classification: Uncertain significance. Last evaluated: 2023-08-01. Review status: criteria provided, single submitter. Criteria: CeGaT Center For Human Genetics Tuebingen Variant Classification Criteria Version 2. Collection method: clinical testing. Allele origin: germline. Affected: yes. Observed: 3 variant alleles.
Comment: AGL: PM2, BP4

PreventionGenetics, part of Exact Sciences
Classification: Uncertain significance for AGL-related condition. Last evaluated: 2023-05-25. Review status: criteria provided, single submitter. Criteria: ACMG Guidelines, 2015. Collection method: clinical testing. Allele origin: germline.
Comment: The AGL c.4451T>G variant is predicted to result in the amino acid substitution p.Val1484Gly. To our knowledge, this variant has not been reported in the literature. This variant is reported in 0.012% of alleles in individuals of European (Non-Finnish) descent in gnomAD. At this time, the clinical significance of this variant is uncertain due to the absence of conclusive functional and genetic evidence.

Genome-Nilou Lab
Classification: Uncertain significance for Glycogen storage disease type III. Last evaluated: 2023-04-11. Review status: criteria provided, single submitter. Criteria: ACMG Guidelines, 2015. Collection method: clinical testing. Allele origin: germline. Affected: no.

Natera, Inc.
Classification: Uncertain significance for Glycogen storage disease type III. Last evaluated: 2020-03-11. Review status: no assertion criteria provided. Collection method: clinical testing. Allele origin: germline. Not counted in ClinVar's aggregate classification.

NM_000642.3(AGL):c.4451T>G (p.Val1484Gly)

Gene: AGL (amylo-alpha-1,6-glucosidase and 4-alpha-glucanotransferase; plus strand). Cytogenetic location: 1p21.2.
Variant type: single nucleotide variant.
Coding change: c.4451T>G on transcript NM_000642.3 (MANE Select); coding-DNA position 4451, T replaced by G.
Protein change: p.Val1484Gly; replaces valine 1484 with glycine.
Molecular consequence: missense variant.
Genome position (GRCh38, 1-based): chr1:99,916,701, T>G. VCF-style: chr1-99916701-T-G. GRCh37 (hg19) VCF-style: chr1-100382257-T-G.
Other names: c.4451T>G, p.Val1484Gly (NM_000028.3, NM_000643.3, NM_000644.3 and 1 more transcripts); c.4403T>G, p.Val1468Gly (NM_000646.3); c.4430T>G, p.Val1477Gly (NM_001425326.1); c.4250T>G, p.Val1417Gly (NM_001425327.1); c.4247T>G, p.Val1416Gly (NM_001425328.1); c.4112T>G, p.Val1371Gly (NM_001425329.1); c.4073T>G, p.Val1358Gly (NM_001425332.1); short protein forms V1468G, V1484G, V1358G, V1371G, V1416G, V1417G, V1477G.
Identifiers: ClinVar variation 653696 (VCV000653696.32), dbSNP rs774708890, ClinGen allele CA967443.